The following is an entry in ClinVar:

NM_000059.4(BRCA2):c.1309_1909+1dup

Gene: BRCA2 (BRCA2 DNA repair associated; plus strand). Cytogenetic location: 13q13.1.
Variant type: Duplication.
Coding change: c.1309_1909+1dup on transcript NM_000059.4 (MANE Select); coding-DNA position 1309 through the canonical splice donor site of the intron after coding-DNA position 1909, 602 bases duplicated.
Molecular consequence: splice donor variant.
Genome position (GRCh38, 1-based): chr13:32,332,787-32,333,388, 602 bases duplicated. GRCh37 (hg19): chr13:32,906,924-32,907,525.
Identifiers: ClinVar variation 1050537 (VCV001050537.1), dbSNP rs2137469915, ClinGen allele CA2499222078.

ClinVar aggregate classification (germline): Uncertain significance (0 of 4 stars; one submission).

Submission:

Department of Pathology and Laboratory Medicine, Sinai Health System
Classification: Uncertain significance. Review status: no assertion criteria provided. Collection method: clinical testing. Allele origin: unknown. Affected: yes. Study: The Canadian Open Genetics Repository (COGR).
Comment: The BRCA2 c.1309_1909+?dup variant (chr13: g.32906924_32907524dup, GRCh37/hg19) results in a partial duplication of exon 10, although the precise breakpoints of this duplication were not determined nor were the effects of this variant on the resulting mRNA or protein product determined. The variant was not identified in the literature nor was it identified in the dbSNP, ClinVar, LOVD 3.0 or UMD-LSDB databases. The variant was not identified in the following control databases: the Exome Aggregation Consortium (August 8th 2016) or the Genome Aggregation Database (Feb 27, 2017). This test cannot determine the location of this duplication. If the duplication is in tandem, it would be predicted to cause a frameshift, altering the protein's amino acid sequence beginning at codon 637 and leading to a premature stop codon 15 codons downstream; however, if the duplication is located elsewhere in the genome, it would not be predicted to affect the BRCA2 gene function. In summary, based on the above information, the clinical significance of this variant cannot be determined with certainty at this time. This variant is classified as a variant of uncertain significance.